The following is an entry in ClinVar:

ClinVar aggregate classification (germline): Uncertain significance. Review status: criteria provided, multiple submitters, no conflicts (2 of 4 stars). 2 submissions from 2 submitters: Uncertain significance (2). Last evaluated 2024-09-11.

Conditions:
Hereditary nonpolyposis colorectal neoplasms. Identifiers: MedGen C0009405, MeSH D003123.
Hereditary cancer-predisposing syndrome. Also called: Tumor predisposition; Hereditary neoplastic syndrome; Neoplastic Syndromes, Hereditary; Hereditary Cancer Syndrome. Identifiers: Orphanet 140162, MedGen C0027672, MeSH D009386, MONDO:0015356.

Submissions (2):

Ambry Genetics
Classification: Uncertain significance for Hereditary cancer-predisposing syndrome. Last evaluated: 2024-09-11. Review status: criteria provided, single submitter. Criteria: Ambry Variant Classification Scheme 2023. Collection method: clinical testing. Allele origin: germline.
Comment: The p.P831T variant (also known as c.2491C>A), located in coding exon 4 of the MSH6 gene, results from a C to A substitution at nucleotide position 2491. The proline at codon 831 is replaced by threonine, an amino acid with highly similar properties. This amino acid position is highly conserved in available vertebrate species. In addition, the in silico prediction for this alteration is inconclusive. Based on the available evidence, the clinical significance of this variant remains unclear.

Labcorp Genetics (formerly Invitae), Labcorp
Classification: Uncertain significance for Hereditary nonpolyposis colorectal neoplasms. Last evaluated: 2020-04-01. Review status: criteria provided, single submitter. Criteria: Invitae Variant Classification Sherloc (09022015). Collection method: clinical testing. Allele origin: germline.
Comment: In summary, the available evidence is currently insufficient to determine the role of this variant in disease. Therefore, it has been classified as a Variant of Uncertain Significance. Algorithms developed to predict the effect of missense changes on protein structure and function are either unavailable or do not agree on the potential impact of this missense change (SIFT: "Tolerated"; PolyPhen-2: "Possibly Damaging"; Align-GVGD: "Class C0"). This variant has not been reported in the literature in individuals with MSH6-related conditions. This variant is not present in population databases (ExAC no frequency). This sequence change replaces proline with threonine at codon 831 of the MSH6 protein (p.Pro831Thr). The proline residue is moderately conserved and there is a small physicochemical difference between proline and threonine.

NM_000179.3(MSH6):c.2491C>A (p.Pro831Thr)

Gene: MSH6 (mutS homolog 6; plus strand). Cytogenetic location: 2p16.3.
Variant type: single nucleotide variant.
Coding change: c.2491C>A on transcript NM_000179.3 (MANE Select); coding-DNA position 2491, C replaced by A.
Protein change: p.Pro831Thr; replaces proline 831 with threonine.
Molecular consequence: missense variant.
Genome position (GRCh38, 1-based): chr2:47,800,474, C>A. VCF-style: chr2-47800474-C-A. GRCh37 (hg19) VCF-style: chr2-48027613-C-A.
Other names: c.2101C>A, p.Pro701Thr (NM_001281492.2); c.1585C>A, p.Pro529Thr (NM_001281493.2, NM_001281494.2); c.2491C>A (NM_000179.2); short protein forms P529T, P701T, P831T.
Identifiers: ClinVar variation 1008705 (VCV001008705.10), dbSNP rs267608053, ClinGen allele CA346754207.
Genomic context (GRCh38, chr2:47,800,474, plus strand): 5'-CTTCTAAAGAAGCTTCCAGATCTTGAGAGGCTACTCAGTAAAATTCATAATGTTGGGTCT[C>A]CCCTGAAGAGTCAGAACCACCCAGACAGCAGGGCTATAATGTATGAAGAAACTACATACA-3'
Protein context (NP_000170.1, residues 821-841): LLSKIHNVGS[Pro831Thr]LKSQNHPDSR